The following is an entry in ClinVar:

ClinVar aggregate classification (germline): Uncertain significance (1 of 4 stars; one submission).

Conditions:
Periodontitis. Identifiers: MedGen C0031099, MONDO:0005076, HP:0000704.

Allele frequency attached by ClinVar (database versions not stated): gnomAD exomes below 0.00001.
gnomAD v4.1: 2 of 1,613,810 alleles (0.00012%); highest among the groups gnomAD compares: Non-Finnish European, 0.00017%; no homozygotes.

Submission:

Labcorp Genetics (formerly Invitae), Labcorp
Classification: Uncertain significance for Gingival disease. Last evaluated: 2019-07-18. Review status: criteria provided, single submitter. Criteria: Invitae Variant Classification Sherloc (09022015). Collection method: clinical testing. Allele origin: germline.
Comment: This sequence change replaces glycine with arginine at codon 222 of the FPR1 protein (p.Gly222Arg). The glycine residue is moderately conserved and there is a moderate physicochemical difference between glycine and arginine. This variant is not present in population databases (ExAC no frequency). This variant has not been reported in the literature in individuals with FPR1-related conditions. Algorithms developed to predict the effect of missense changes on protein structure and function are either unavailable or do not agree on the potential impact of this missense change (SIFT: "Deleterious"; PolyPhen-2: "Probably Damaging"; Align-GVGD: "Class C0"). Algorithms developed to predict the effect of sequence changes on RNA splicing suggest that this variant may create or strengthen a splice site, but this prediction has not been confirmed by published transcriptional studies. In summary, the available evidence is currently insufficient to determine the role of this variant in disease. Therefore, it has been classified as a Variant of Uncertain Significance.

NM_002029.4(FPR1):c.664G>A (p.Gly222Arg)

Gene: FPR1 (formyl peptide receptor 1; minus strand). Cytogenetic location: 19q13.41.
Variant type: single nucleotide variant.
Coding change: c.664G>A on transcript NM_002029.4 (MANE Select); coding-DNA position 664, G replaced by A.
Protein change: p.Gly222Arg; replaces glycine 222 with arginine.
Molecular consequence: missense variant.
Genome position (GRCh38, 1-based): chr19:51,746,331, C>T on the plus strand (G>A on the coding strand, the complement: FPR1 is on the minus strand). VCF-style: chr19-51746331-C-T. GRCh37 (hg19) VCF-style: chr19-52249584-C-T.
Other names: c.664G>A, p.Gly222Arg (NM_001193306.2); short protein forms G222R.
Identifiers: ClinVar variation 951604 (VCV000951604.1), dbSNP rs1192119303, ClinGen allele CA407117498.